The following is an entry in ClinVar:

ClinVar aggregate classification (germline): Uncertain significance. Review status: criteria provided, multiple submitters, no conflicts (2 of 4 stars). 2 submissions from 2 submitters: Uncertain significance (2). Last evaluated 2024-12-27.

Allele frequency attached by ClinVar (database versions not stated): gnomAD exomes below 0.00001.

Submissions (2):

GeneDx
Classification: Uncertain significance. Last evaluated: 2024-12-27. Review status: criteria provided, single submitter. Criteria: GeneDx Variant Classification Process June 2021. Collection method: clinical testing. Allele origin: germline. Affected: yes.
Comment: Not observed at significant frequency in large population cohorts (gnomAD); In silico analysis supports that this missense variant has a deleterious effect on protein structure/function; Has not been previously published as pathogenic or benign to our knowledge

Mayo Clinic Laboratories, Mayo Clinic
Classification: Uncertain significance. Last evaluated: 2022-09-08. Review status: criteria provided, single submitter. Criteria: ACMG Guidelines, 2015. Collection method: clinical testing. Allele origin: germline. Observed: 1 variant allele.
Comment: BP4

NM_001145308.5(LRTOMT):c.463C>G (p.Pro155Ala)

Genes: TOMT (transmembrane O-methyltransferase; plus strand), ANAPC15 (anaphase promoting complex subunit 15; minus strand), LRTOMT (leucine rich transmembrane and O-methyltransferase domain containing; plus strand). Cytogenetic location: 11q13.4.
Variant type: single nucleotide variant.
Coding change: c.463C>G on transcript NM_001145308.5; coding-DNA position 463, C replaced by G.
Protein change: p.Pro155Ala; replaces proline 155 with alanine.
Molecular consequence: missense variant. On other transcripts: 3 prime UTR variant (3), non-coding transcript variant (1), intron variant (7).
Genome position (GRCh38, 1-based): chr11:72,108,027, C>G. VCF-style: chr11-72108027-C-G. GRCh37 (hg19) VCF-style: chr11-71819073-C-G.
Other names: p.Pro155Ala; c.364C>G, p.Pro122Ala (NM_001393500.2); c.463C>G, p.Pro155Ala (NM_001145309.4); c.343C>G, p.Pro115Ala (NM_001145310.4); c.*792G>C (NM_001393443.1, NM_001393444.1, NM_001393445.1); c.64-422G>C (NM_001393459.1); c.319-422G>C (NM_001393430.1, NM_001393429.1, NM_001393428.1 and 3 more transcripts); short protein forms P115A, P122A, P155A.
Identifiers: ClinVar variation 2683158 (VCV002683158.1), dbSNP rs564372520, ClinGen allele CA381721728.
Genomic context (GRCh38, chr11:72,108,027, plus strand): 5'-GTGCTGGAATTGGGAACCTACTGTGGATACTCTACCCTGCTTATTGCCCGAGCCCTGCCC[C>G]CTGGGGGTCGCCTTCTTACTGTGGAGCGGGACCCACGCACGGCAGCAGTGGCTGAAAAAC-3'